The following is an entry in ClinVar:

ClinVar aggregate classification (germline): Uncertain significance (1 of 4 stars; one submission).

Conditions:
Inborn genetic diseases. Identifiers: MedGen C0950123, MeSH D030342.

gnomAD v4.1: 3 of 1,614,038 alleles (0.00019%); highest among the groups gnomAD compares: Non-Finnish European, 0.00025%; no homozygotes.

Submission:

Ambry Genetics
Classification: Uncertain significance for Inborn genetic diseases. Last evaluated: 2024-12-14. Review status: criteria provided, single submitter. Criteria: Ambry Variant Classification Scheme 2023. Collection method: clinical testing. Allele origin: germline.
Comment: The p.K115T variant (also known as c.344A>C), located in coding exon 1 of the SAMD9 gene, results from an A to C substitution at nucleotide position 344. The lysine at codon 115 is replaced by threonine, an amino acid with similar properties. This amino acid position is conserved. In addition, this alteration is predicted to be tolerated by in silico analysis. Based on the available evidence, the clinical significance of this variant remains unclear.

NM_017654.4(SAMD9):c.344A>C (p.Lys115Thr)

Gene: SAMD9 (sterile alpha motif domain containing 9; minus strand). Cytogenetic location: 7q21.2.
Variant type: single nucleotide variant.
Coding change: c.344A>C on transcript NM_017654.4 (MANE Select); coding-DNA position 344, A replaced by C.
Protein change: p.Lys115Thr; replaces lysine 115 with threonine.
Molecular consequence: missense variant.
Genome position (GRCh38, 1-based): chr7:93,105,754, T>G on the plus strand (A>C on the coding strand, the complement: SAMD9 is on the minus strand). VCF-style: chr7-93105754-T-G. GRCh37 (hg19) VCF-style: chr7-92735067-T-G.
Other names: c.344A>C, p.Lys115Thr (NM_001193307.2); short protein forms K115T.
Identifiers: ClinVar variation 3791906 (VCV003791906.1).